The following is an entry in ClinVar:

ClinVar aggregate classification (germline): Benign/Likely benign. Review status: criteria provided, multiple submitters, no conflicts (2 of 4 stars). 4 submissions from 4 submitters: Benign (1); Likely benign (3). Last evaluated 2025-12-30.

Conditions:
Immunodeficiency 14 (IMD14A). Also called: IMMUNODEFICIENCY 14A WITH LYMPHOPROLIFERATION, AUTOSOMAL DOMINANT; ACTIVATED PI3K-DELTA SYNDROME 1; Activated PI3K Delta Syndrome Type 1 (APDS1); p110-DELTA-ACTIVATING MUTATION CAUSING SENESCENT T CELLS, LYMPHADENOPATHY, AND IMMUNODEFICIENCY. Identifiers: Orphanet 397596, Orphanet 693661, MedGen C5907821, MONDO:0014222, OMIM 615513.

Allele frequency attached by ClinVar (database versions not stated): gnomAD 0.00001 and 0.00021; TOPMed 0.00008; gnomAD exomes 0.00043 and 0.00092; ExAC 0.00111; 1000 Genomes Project 30x 0.00219; 1000 Genomes Project 0.00280.
gnomAD v4.1: 653 of 1,612,570 alleles (0.04%); highest among the groups gnomAD compares: South Asian, 0.68%; 10 homozygotes.

Submissions (4):

Labcorp Genetics (formerly Invitae), Labcorp
Classification: Benign for Activated PI3K-delta syndrome. Last evaluated: 2025-12-30. Review status: criteria provided, single submitter. Criteria: Invitae Variant Classification Sherloc (09022015). Collection method: clinical testing. Allele origin: germline.

CeGaT Center for Human Genetics Tuebingen
Classification: Likely benign. Last evaluated: 2025-10-01. Review status: criteria provided, single submitter. Criteria: CeGaT Center For Human Genetics Tuebingen Variant Classification Criteria Version 2. Collection method: clinical testing. Allele origin: germline. Affected: yes. Observed: 2 variant alleles.
Comment: PIK3CD: BP4, BP7

Blueprint Genetics
Classification: Likely benign. Last evaluated: 2024-10-21. Review status: criteria provided, single submitter. Criteria: ACMG Guidelines, 2015. Collection method: clinical testing. Allele origin: germline.

Breakthrough Genomics
Classification: Likely benign. Review status: criteria provided, single submitter. Criteria: ACMG Guidelines, 2015. Collection method: not provided. Allele origin: germline. Inheritance: Autosomal recessive inheritance. Affected: yes.

NM_005026.5(PIK3CD):c.1710C>T (p.Ser570=)

Gene: PIK3CD (phosphatidylinositol-4,5-bisphosphate 3-kinase catalytic subunit delta; plus strand). Cytogenetic location: 1p36.22.
Variant type: single nucleotide variant.
Coding change: c.1710C>T on transcript NM_005026.5 (MANE Select); coding-DNA position 1710, C replaced by T.
Protein change: p.Ser570=; no amino-acid change (serine 570 retained).
Molecular consequence: synonymous variant.
Genome position (GRCh38, 1-based): chr1:9,721,147, C>T. VCF-style: chr1-9721147-C-T. GRCh37 (hg19) VCF-style: chr1-9781205-C-T.
Other names: c.1707C>T, p.Ser569= (NM_001350234.2); c.1623C>T, p.Ser541= (NM_001350235.1).
Identifiers: ClinVar variation 745500 (VCV000745500.47), dbSNP rs200918933, ClinGen allele CA577309.